The following is an entry in ClinVar:

ClinVar aggregate classification (germline): Uncertain significance (1 of 4 stars; one submission).

Conditions:
Pigmentary pallidal degeneration (NBIA1). Also called: Neurodegeneration with brain iron accumulation 1; PKAN NEUROAXONAL DYSTROPHY, JUVENILE-ONSET; HARP SYNDROME; Pantothenate Kinase-Associated Neurodegeneration; Neuroaxonal dystrophy, late infantile; Hallervorden-Spatz disease. Identifiers: Orphanet 157850, MedGen C0018523, MONDO:0009319, OMIM 234200.

gnomAD v4.1: 9 of 1,557,218 alleles (0.00058%); highest among the groups gnomAD compares: Admixed American, 0.0075%; no homozygotes.

Submission:

Labcorp Genetics (formerly Invitae), Labcorp
Classification: Uncertain significance for Pigmentary pallidal degeneration. Last evaluated: 2021-04-19. Review status: criteria provided, single submitter. Criteria: Invitae Variant Classification Sherloc (09022015). Collection method: clinical testing. Allele origin: germline.
Comment: This variant has not been reported in the literature in individuals with PANK2-related conditions. The frequency data for this variant in the population databases is considered unreliable, as metrics indicate insufficient coverage at this position in the ExAC database. This sequence change replaces glycine with valine at codon 113 of the PANK2 protein (p.Gly113Val). The glycine residue is weakly conserved and there is a moderate physicochemical difference between glycine and valine. Algorithms developed to predict the effect of missense changes on protein structure and function are either unavailable or do not agree on the potential impact of this missense change (SIFT: "Deleterious"; PolyPhen-2: "Probably Damaging"; Align-GVGD: "Class C0"). In summary, the available evidence is currently insufficient to determine the role of this variant in disease. Therefore, it has been classified as a Variant of Uncertain Significance.

NM_001386393.1(PANK2):c.8G>T (p.Gly3Val)

Genes: PANK2 (pantothenate kinase 2; plus strand), LOC130065345 (ATAC-STARR-seq lymphoblastoid silent region 12635; plus strand). Cytogenetic location: 20p13.
Variant type: single nucleotide variant.
Coding change: c.8G>T on transcript NM_001386393.1 (MANE Select); coding-DNA position 8, G replaced by T.
Protein change: p.Gly3Val; replaces glycine 3 with valine.
Molecular consequence: missense variant. On other transcripts: 5 prime UTR variant (1), non-coding transcript variant (1), intron variant (1).
Genome position (GRCh38, 1-based): chr20:3,889,438, G>T. VCF-style: chr20-3889438-G-T. GRCh37 (hg19) VCF-style: chr20-3870085-G-T.
Other names: c.-704G>T (NM_001324191.2); c.338G>T, p.Gly113Val (NM_001324192.1, NM_153638.4); c.-246+534G>T (NM_024960.6); short protein forms G113V, G3V.
Identifiers: ClinVar variation 1018353 (VCV001018353.9), dbSNP rs1268207892, ClinGen allele CA408140640.